The following is an entry in ClinVar:

ClinVar aggregate classification (germline): Uncertain significance (1 of 4 stars; one submission).

Conditions:
Retinoblastoma (RB1). Also called: RETINOBLASTOMA, SOMATIC. Identifiers: Orphanet 790, MedGen C0035335, MeSH D012175, MONDO:0008380, OMIM 180200, HP:0009919. Disease mechanism: loss of function. Inheritance: Both sporadic and heritable forms are tested..

gnomAD v4.1: 3 of 1,426,342 alleles (0.00021%); highest among the groups gnomAD compares: East Asian, 0.006%; no homozygotes.

Submission:

Labcorp Genetics (formerly Invitae), Labcorp
Classification: Uncertain significance for Retinoblastoma. Last evaluated: 2025-07-21. Review status: criteria provided, single submitter. Criteria: Invitae Variant Classification Sherloc (09022015). Collection method: clinical testing. Allele origin: germline.
Comment: This variant occurs in a non-coding region of the RB1 gene. It does not change the encoded amino acid sequence of the RB1 protein. This variant is present in population databases (no rsID available, gnomAD 0.06%). This variant has not been reported in the literature in individuals affected with RB1-related conditions. ClinVar contains an entry for this variant (Variation ID: 3714703). In summary, the available evidence is currently insufficient to determine the role of this variant in disease. Therefore, it has been classified as a Variant of Uncertain Significance.

NM_000321.3(RB1):c.-113A>G

Gene: RB1 (RB transcriptional corepressor 1; plus strand). Cytogenetic location: 13q14.2.
Variant type: single nucleotide variant.
Coding change: c.-113A>G on transcript NM_000321.3 (MANE Select); 113 bases upstream of the start codon, A replaced by G.
Molecular consequence: 5 prime UTR variant.
Genome position (GRCh38, 1-based): chr13:48,303,800, A>G. VCF-style: chr13-48303800-A-G. GRCh37 (hg19) VCF-style: chr13-48877936-A-G.
Other names: c.-113A>G (NM_001407165.1, NM_001407166.1, NM_001407167.1).
Identifiers: ClinVar variation 3714703 (VCV003714703.2).